The following is an entry in ClinVar:

ClinVar aggregate classification (germline): Uncertain significance (1 of 4 stars; one submission).

Conditions:
Hereditary cancer-predisposing syndrome. Also called: Neoplastic Syndromes, Hereditary; Tumor predisposition; Hereditary Cancer Syndrome; Hereditary neoplastic syndrome. Identifiers: Orphanet 140162, MedGen C0027672, MeSH D009386, MONDO:0015356.

Submission:

Ambry Genetics
Classification: Uncertain significance for Hereditary cancer-predisposing syndrome. Last evaluated: 2026-03-14. Review status: criteria provided, single submitter. Criteria: Ambry Variant Classification Scheme 2023. Collection method: clinical testing. Allele origin: germline.
Comment: The p.F591V variant (also known as c.1771T>G), located in coding exon 16 of the NF2 gene, results from a T to G substitution at nucleotide position 1771. The phenylalanine at codon 591 is replaced by valine, an amino acid with highly similar properties. This amino acid position is conserved. In addition, the in silico prediction for this alteration is inconclusive. Based on the available evidence, the clinical significance of this variant remains unclear.

NM_000268.4(NF2):c.1771T>G (p.Phe591Val)

Gene: NF2 (NF2, moesin-ezrin-radixin like (MERLIN) tumor suppressor; plus strand). Cytogenetic location: 22q12.2.
Variant type: single nucleotide variant.
Coding change: c.1771T>G on transcript NM_000268.4 (MANE Select); coding-DNA position 1771, T replaced by G.
Protein change: p.Phe591Val; replaces phenylalanine 591 with valine.
Molecular consequence: missense variant. On other transcripts: 3 prime UTR variant (11), non-coding transcript variant (1), synonymous variant (2).
Genome position (GRCh38, 1-based): chr22:29,694,785, T>G. VCF-style: chr22-29694785-T-G. GRCh37 (hg19) VCF-style: chr22-30090774-T-G.
Other names: c.*43T>G (NM_016418.5, NM_181828.3, NM_181829.3 and 5 more transcripts); c.*58T>G (NM_181832.3, NM_001407058.1, NM_001407063.1); c.481T>G, p.Phe161Val (NM_181833.3); c.1648T>G, p.Phe550Val (NM_001407054.1); c.1645T>G, p.Phe549Val (NM_001407055.1); c.1636T>G, p.Phe546Val (NM_001407057.1); c.1608T>G, p.Pro536= (NM_001407060.1); c.1513T>G, p.Phe505Val (NM_001407062.1); and 2 more; short protein forms F549V, F550V, F553V, F591V, F161V, F546V, F505V.
Identifiers: ClinVar variation 4827552 (VCV004827552.1).
Genomic context (GRCh38, chr22:29,694,785, plus strand): 5'-CTCAGCTTCTTCTCTGCTTTCTTACAGCTCACCTTGCAGAGCGCCAAGTCCCGAGTGGCC[T>G]TCTTTGAAGAGCTCTAGCAGGTGACCCAGCCACCCCAGGACCTGCCACTTCTCCTGCTAC-3'
Protein context (NP_000259.1, residues 581-595): TLQSAKSRVA[Phe591Val]FEEL